The following is an entry in ClinVar:

NM_000092.5(COL4A4):c.3667C>T (p.Pro1223Ser)

Gene: COL4A4 (collagen type IV alpha 4 chain; minus strand). Cytogenetic location: 2q36.3.
Variant type: single nucleotide variant.
Coding change: c.3667C>T on transcript NM_000092.5 (MANE Select); coding-DNA position 3667, C replaced by T.
Protein change: p.Pro1223Ser; replaces proline 1223 with serine.
Molecular consequence: missense variant.
Genome position (GRCh38, 1-based): chr2:227,032,187, G>A on the plus strand (C>T on the coding strand, the complement: COL4A4 is on the minus strand). VCF-style: chr2-227032187-G-A. GRCh37 (hg19) VCF-style: chr2-227896903-G-A.
Other names: short protein forms P1223S.
Identifiers: ClinVar variation 1408539 (VCV001408539.3), dbSNP rs771575941, ClinGen allele CA2144458.

ClinVar aggregate classification (germline): Uncertain significance (1 of 4 stars; one submission).

Allele frequency attached by ClinVar (database versions not stated): gnomAD exomes below 0.00001; ExAC 0.00001; TOPMed 0.00001.
gnomAD v4.1: 5 of 1,614,174 alleles (0.00031%); highest among the groups gnomAD compares: Non-Finnish European, 0.00034%; no homozygotes.

Submission:

Labcorp Genetics (formerly Invitae), Labcorp
Classification: Uncertain significance. Last evaluated: 2021-09-04. Review status: criteria provided, single submitter. Criteria: Invitae Variant Classification Sherloc (09022015). Collection method: clinical testing. Allele origin: germline.
Comment: This sequence change replaces proline with serine at codon 1223 of the COL4A4 protein (p.Pro1223Ser). The proline residue is highly conserved and there is a moderate physicochemical difference between proline and serine. This variant is present in population databases (rs771575941, ExAC 0.001%). This variant has not been reported in the literature in individuals affected with COL4A4-related conditions. Advanced modeling of protein sequence and biophysical properties (such as structural, functional, and spatial information, amino acid conservation, physicochemical variation, residue mobility, and thermodynamic stability) performed at Invitae indicates that this missense variant is not expected to disrupt COL4A4 protein function. In summary, the available evidence is currently insufficient to determine the role of this variant in disease. Therefore, it has been classified as a Variant of Uncertain Significance.